The following is an entry in ClinVar:

ClinVar aggregate classification (germline): Conflicting classifications of pathogenicity. Review status: criteria provided, conflicting classifications (1 of 4 stars). 4 submissions from 4 submitters: Uncertain significance (1); Likely benign (2). 1 of the submissions does not count toward it. Last evaluated 2025-10-06.

Conditions:
MLYCD-related disorder. Also called: MLYCD-related condition.
Deficiency of malonyl-CoA decarboxylase. Also called: Malonic aciduria; MCD deficiency. Identifiers: Orphanet 943, MedGen C0342793, MONDO:0009556, OMIM 248360.

Allele frequency attached by ClinVar (database versions not stated): ExAC 0.00005; gnomAD exomes 0.00006; ESP Exome Variant Server 0.00008; gnomAD 0.00011; TOPMed 0.00012; 1000 Genomes Project 30x 0.00016; 1000 Genomes Project 0.00020.
gnomAD v4.1: 113 of 1,613,750 alleles (0.007%); highest among the groups gnomAD compares: Non-Finnish European, 0.0082%; 1 homozygote.

Submissions (4):

Labcorp Genetics (formerly Invitae), Labcorp
Classification: Likely benign for Deficiency of malonyl-CoA decarboxylase. Last evaluated: 2025-10-06. Review status: criteria provided, single submitter. Criteria: Invitae Variant Classification Sherloc (09022015). Collection method: clinical testing. Allele origin: germline.

Blueprint Genetics
Classification: Likely benign. Last evaluated: 2024-09-25. Review status: criteria provided, single submitter. Criteria: ACMG Guidelines, 2015. Collection method: clinical testing. Allele origin: germline.

Illumina Laboratory Services, Illumina
Classification: Uncertain significance for Deficiency of malonyl-CoA decarboxylase. Last evaluated: 2018-01-13. Review status: criteria provided, single submitter. Criteria: ICSL Variant Classification Criteria 13 December 2019. Collection method: clinical testing. Allele origin: germline.

PreventionGenetics, part of Exact Sciences
Classification: Likely benign for MLYCD-related condition. Last evaluated: 2024-07-02. Review status: no assertion criteria provided. Collection method: clinical testing. Allele origin: germline. Not counted in ClinVar's aggregate classification.
Comment: This variant is classified as likely benign based on ACMG/AMP sequence variant interpretation guidelines (Richards et al. 2015 PMID: 25741868, with internal and published modifications).

NM_012213.3(MLYCD):c.1335C>T (p.Thr445=)

Gene: MLYCD (malonyl-CoA decarboxylase; plus strand). Cytogenetic location: 16q23.3.
Variant type: single nucleotide variant.
Coding change: c.1335C>T on transcript NM_012213.3 (MANE Select); coding-DNA position 1335, C replaced by T.
Protein change: p.Thr445=; no amino-acid change (threonine 445 retained).
Molecular consequence: synonymous variant.
Genome position (GRCh38, 1-based): chr16:83,915,342, C>T. VCF-style: chr16-83915342-C-T. GRCh37 (hg19) VCF-style: chr16-83948947-C-T.
Identifiers: ClinVar variation 884348 (VCV000884348.15), dbSNP rs373675093, ClinGen allele CA8197602.